The following is an entry in ClinVar:

ClinVar aggregate classification (germline): Likely pathogenic (1 of 4 stars; one submission).

Submission:

Genetic Services Laboratory, University of Chicago
Classification: Likely pathogenic. Last evaluated: 2024-03-25. Review status: criteria provided, single submitter. Criteria: ACMG Guidelines, 2015. Collection method: clinical testing. Allele origin: germline. Affected: yes.
Comment: DNA sequence analysis of the ENG gene demonstrated a single base pair deletion in exon 7, c.953del. This sequence change results in the creation of a premature stop codon at amino acid position 40, .p.Pro318Argfs*41. This sequence change is predicted to result in an abnormal transcript, which may be degraded, or may lead to the production of a truncated ENG protein with potentially abnormal function. This deletion does not appear to have been previously described in individuals with ENG-related disorders. While this deletion has not previously been described in the literature, other loss of function variants including deletions in the ENG gene have been described in several individuals with ENG-related disorders (PMID: 15879500). The c.953del sequence change has not been described in population databases such as ExAC and gnomAD. These collective evidences indicate that this sequence change is likely pathogenic; however functional studies have not been performed to prove this conclusively.

NM_001114753.3(ENG):c.953del (p.Pro318fs)

Gene: ENG (endoglin; minus strand). Cytogenetic location: 9q34.11.
Variant type: Deletion.
Coding change: c.953del on transcript NM_001114753.3 (MANE Select); coding-DNA position 953, one base deleted (C; older notation c.953delC).
Protein change: p.Pro318fs; shifts the reading frame from proline 318.
Molecular consequence: frameshift variant.
Genome position (GRCh38, 1-based): chr9:127,824,838, G deleted on the plus strand (C on the coding strand, the reverse complement: ENG is on the minus strand); the first of 2 consecutive G bases (chr9:127,824,838-127,824,839); deleting either gives the same sequence. VCF-style (leftmost placement, unchanged base first): chr9-127824837-CG-C. GRCh37 (hg19) VCF-style: chr9-130587116-CG-C.
Other names: c.952delC, p.Pro318Argfs (NM_000118.3); c.953del, p.Pro318fs (NM_000118.4, NM_001406715.1); c.407del, p.Pro136fs (NM_001278138.2); short protein forms P136fs, P318fs.
Identifiers: ClinVar variation 4082422 (VCV004082422.2).